The following is an entry in ClinVar:

ClinVar aggregate classification (germline): Likely benign. Review status: criteria provided, multiple submitters, no conflicts (2 of 4 stars). 3 submissions from 3 submitters: Likely benign (2). 1 of the submissions does not count toward it. Last evaluated 2016-11-08.

Conditions:
NRXN2-related disorder. Also called: NRXN2-related condition.

Allele frequency attached by ClinVar (database versions not stated): 1000 Genomes Project 30x 0.00016; TOPMed 0.00113; gnomAD exomes 0.00177 and 0.00072; gnomAD 0.00091 and 0.00109.
gnomAD v4.1: 2,248 of 1,333,942 alleles (0.17%); highest among the groups gnomAD compares: Non-Finnish European, 0.2%; 4 homozygotes.

Submissions (3):

Genetic Services Laboratory, University of Chicago
Classification: Likely benign. Last evaluated: 2016-11-08. Review status: criteria provided, single submitter. Criteria: ACMG Guidelines, 2015. Collection method: clinical testing. Allele origin: germline. Affected: no.

Breakthrough Genomics
Classification: Likely benign. Review status: criteria provided, single submitter. Criteria: ACMG Guidelines, 2015. Collection method: not provided. Allele origin: germline. Inheritance: Unknown mechanism. Affected: yes.

PreventionGenetics, part of Exact Sciences
Classification: Likely benign for NRXN2-related condition. Last evaluated: 2022-03-01. Review status: no assertion criteria provided. Collection method: clinical testing. Allele origin: germline. Not counted in ClinVar's aggregate classification.
Comment: This variant is classified as likely benign based on ACMG/AMP sequence variant interpretation guidelines (Richards et al. 2015 PMID: 25741868, with internal and published modifications).

NM_015080.4(NRXN2):c.598G>A (p.Ala200Thr)

Gene: NRXN2 (neurexin 2; minus strand). Cytogenetic location: 11q13.1.
Variant type: single nucleotide variant.
Coding change: c.598G>A on transcript NM_015080.4 (MANE Select); coding-DNA position 598, G replaced by A.
Protein change: p.Ala200Thr; replaces alanine 200 with threonine.
Molecular consequence: missense variant.
Genome position (GRCh38, 1-based): chr11:64,713,102, C>T on the plus strand (G>A on the coding strand, the complement: NRXN2 is on the minus strand). VCF-style: chr11-64713102-C-T. GRCh37 (hg19) VCF-style: chr11-64480574-C-T.
Other names: c.598G>A, p.Ala200Thr (NM_001376262.1, NM_001376263.1, NM_001376265.1 and 3 more transcripts); c.598G>A (NM_015080.3); short protein forms A200T.
Identifiers: ClinVar variation 211712 (VCV000211712.9), dbSNP rs797045803, ClinGen allele CA206238.